The following is an entry in ClinVar:

ClinVar aggregate classification (germline): Uncertain significance. Review status: criteria provided, multiple submitters, no conflicts (2 of 4 stars). 2 submissions from 2 submitters: Uncertain significance (2). Last evaluated 2024-11-26.

Conditions:
Congenital disorder of deglycosylation (CDDG). Identifiers: MedGen C3808991, MONDO:0031376.

Allele frequency attached by ClinVar (database versions not stated): ExAC 0.00001; gnomAD 0.00001; gnomAD exomes 0.00001 and 0.00002; TOPMed 0.00002.
gnomAD v4.1: 11 of 1,607,338 alleles (0.00068%); highest among the groups gnomAD compares: African/African-American, 0.0013%; no homozygotes.

Submissions (2):

Women's Health and Genetics/Laboratory Corporation of America, LabCorp
Classification: Uncertain significance. Last evaluated: 2024-11-26. Review status: criteria provided, single submitter. Criteria: LabCorp Variant Classification Summary - May 2015. Collection method: clinical testing. Allele origin: germline.
Comment: Variant summary: NGLY1 c.104T>A (p.Leu35Gln) results in a non-conservative amino acid change in the encoded protein sequence. Four of five in-silico tools predict a damaging effect of the variant on protein function. The variant allele was found at a frequency of 2.1e-05 in 240942 control chromosomes (gnomAD). The available data on variant occurrences in the general population are insufficient to allow any conclusion about variant significance. c.104T>A has been reported in the literature in an individual affected with NGLY1 deficiency (Nolan_2022). These data do not allow any conclusion about variant significance. To our knowledge, no experimental evidence demonstrating an impact on protein function has been reported. The following publication has been ascertained in the context of this evaluation (PMID: 35779835). ClinVar contains an entry for this variant (Variation ID: 970096). Based on the evidence outlined above, the variant was classified as uncertain significance.

Labcorp Genetics (formerly Invitae), Labcorp
Classification: Uncertain significance for Congenital disorder of deglycosylation. Last evaluated: 2022-05-16. Review status: criteria provided, single submitter. Criteria: Invitae Variant Classification Sherloc (09022015). Collection method: clinical testing. Allele origin: germline.
Comment: This sequence change replaces leucine, which is neutral and non-polar, with glutamine, which is neutral and polar, at codon 35 of the NGLY1 protein (p.Leu35Gln). This variant is present in population databases (rs769627540, gnomAD 0.004%). This variant has not been reported in the literature in individuals affected with NGLY1-related conditions. ClinVar contains an entry for this variant (Variation ID: 970096). Algorithms developed to predict the effect of missense changes on protein structure and function are either unavailable or do not agree on the potential impact of this missense change (SIFT: "Deleterious"; PolyPhen-2: "Probably Damaging"; Align-GVGD: "Class C0"). In summary, the available evidence is currently insufficient to determine the role of this variant in disease. Therefore, it has been classified as a Variant of Uncertain Significance.

Literature cited by the submitters: PubMed 35779835 (cited by Women's Health and Genetics/Laboratory Corporation of America, LabCorp).

NM_018297.4(NGLY1):c.104T>A (p.Leu35Gln)

Gene: NGLY1 (N-glycanase 1; minus strand). Cytogenetic location: 3p24.2.
Variant type: single nucleotide variant.
Coding change: c.104T>A on transcript NM_018297.4 (MANE Select); coding-DNA position 104, T replaced by A.
Protein change: p.Leu35Gln; replaces leucine 35 with glutamine.
Molecular consequence: missense variant. On other transcripts: intron variant (1).
Genome position (GRCh38, 1-based): chr3:25,783,287, A>T on the plus strand (T>A on the coding strand, the complement: NGLY1 is on the minus strand). VCF-style: chr3-25783287-A-T. GRCh37 (hg19) VCF-style: chr3-25824778-A-T.
Other names: c.104T>A, p.Leu35Gln (NM_001145293.2, NM_001145295.2); c.6-4599T>A (NM_001145294.2); short protein forms L35Q.
Identifiers: ClinVar variation 970096 (VCV000970096.5), dbSNP rs769627540, ClinGen allele CA2289589.